The following is an entry in ClinVar:

ClinVar aggregate classification (germline): Uncertain significance (1 of 4 stars; one submission).

Submission:

GeneDx
Classification: Uncertain significance. Last evaluated: 2024-06-24. Review status: criteria provided, single submitter. Criteria: GeneDx Variant Classification Process June 2021. Collection method: clinical testing. Allele origin: germline.
Comment: Not observed at significant frequency in large population cohorts (gnomAD); In silico analysis supports that this missense variant has a deleterious effect on protein structure/function; Has not been previously published as pathogenic or benign to our knowledge

NM_005157.6(ABL1):c.379T>G (p.Trp127Gly)

Gene: ABL1 (ABL proto-oncogene 1, non-receptor tyrosine kinase; plus strand). Cytogenetic location: 9q34.12.
Variant type: single nucleotide variant.
Coding change: c.379T>G on transcript NM_005157.6 (MANE Select); coding-DNA position 379, T replaced by G.
Protein change: p.Trp127Gly; replaces tryptophan 127 with glycine.
Molecular consequence: missense variant.
Genome position (GRCh38, 1-based): chr9:130,854,926, T>G. VCF-style: chr9-130854926-T-G. GRCh37 (hg19) VCF-style: chr9-133730313-T-G.
Other names: c.436T>G, p.Trp146Gly (NM_007313.3); short protein forms W127G, W146G.
Identifiers: ClinVar variation 2444763 (VCV002444763.2), dbSNP rs2490674654, ClinGen allele CA375258174.